The following is an entry in ClinVar:

NM_004357.5(CD151):c.457-3C>T

Gene: CD151 (CD151 molecule (Raph blood group); plus strand). Cytogenetic location: 11p15.5.
Variant type: single nucleotide variant.
Coding change: c.457-3C>T on transcript NM_004357.5 (MANE Select); 3 bases into the intron before coding-DNA position 457, C replaced by T.
Molecular consequence: intron variant.
Genome position (GRCh38, 1-based): chr11:837,457, C>T. VCF-style: chr11-837457-C-T. GRCh37 (hg19) VCF-style: chr11-837457-C-T.
Other names: c.457-3C>T (NM_139030.4, NM_139029.2, NM_001039490.2).
Identifiers: ClinVar variation 3634946 (VCV003634946.8).

ClinVar aggregate classification (germline): Conflicting classifications of pathogenicity. Review status: criteria provided, conflicting classifications (1 of 4 stars). 2 submissions from 2 submitters: Uncertain significance (1); Likely benign (1). Last evaluated 2025-11-01.

gnomAD v4.1: 181 of 1,612,746 alleles (0.011%); highest among the groups gnomAD compares: Non-Finnish European, 0.015%; 2 homozygotes.

Submissions (2):

CeGaT Center for Human Genetics Tuebingen
Classification: Likely benign. Last evaluated: 2025-11-01. Review status: criteria provided, single submitter. Criteria: CeGaT Center For Human Genetics Tuebingen Variant Classification Criteria Version 2. Collection method: clinical testing. Allele origin: germline. Affected: yes. Observed: 1 variant allele.
Comment: CD151: BP4

Labcorp Genetics (formerly Invitae), Labcorp
Classification: Uncertain significance. Last evaluated: 2024-08-28. Review status: criteria provided, single submitter. Criteria: Invitae Variant Classification Sherloc (09022015). Collection method: clinical testing. Allele origin: germline.
Comment: This sequence change falls in intron 6 of the CD151 gene. It does not directly change the encoded amino acid sequence of the CD151 protein. It affects a nucleotide within the consensus splice site. This variant is present in population databases (rs370625724, gnomAD 0.005%). This variant has not been reported in the literature in individuals affected with CD151-related conditions. Variants that disrupt the consensus splice site are a relatively common cause of aberrant splicing (PMID: 17576681, 9536098). Algorithms developed to predict the effect of sequence changes on RNA splicing suggest that this variant is not likely to affect RNA splicing. In summary, the available evidence is currently insufficient to determine the role of this variant in disease. Therefore, it has been classified as a Variant of Uncertain Significance.

Literature cited by the submitters: PubMed 17576681 (cited by Labcorp Genetics (formerly Invitae), Labcorp); PubMed 9536098 (cited by Labcorp Genetics (formerly Invitae), Labcorp).